The following is an entry in ClinVar:

ClinVar aggregate classification (germline): Benign/Likely benign. Review status: criteria provided, multiple submitters, no conflicts (2 of 4 stars). 12 submissions from 12 submitters: Benign (6); Likely benign (6). Last evaluated 2026-08-01.

Conditions:
Cerebral small vessel disease.
Vascular parkinsonism. Identifiers: MedGen C0393568, MONDO:0956980.
Cerebral arteriopathy with subcortical infarcts and leukoencephalopathy. Also called: Cerebral autosomal dominant arteriopathy with subcortical infarcts and leukoencephalopathy. Identifiers: MedGen C0751587, MONDO:0007432.
Myofibromatosis, infantile, 2. Identifiers: Orphanet 2591, MedGen C3809084, MONDO:0014122, OMIM 615293.
Lateral meningocele syndrome (LMNS). Also called: NOTCH3-Related Lateral Meningocele Syndrome. Identifiers: Orphanet 2789, MedGen C1851710, MONDO:0007537, OMIM 130720.
Cerebral arteriopathy, autosomal dominant, with subcortical infarcts and leukoencephalopathy, type 1 (CADASIL1). Also called: CASIL; Cerebral arteriopathy with subcortical infarcts and leukoencephalopathy 1; CADASIL 1; DEMENTIA, HEREDITARY MULTIINFARCT TYPE. Identifiers: Orphanet 136, MedGen C4551768, MONDO:0000914, OMIM 125310.

Allele frequency attached by ClinVar (database versions not stated): TOPMed 0.00691; 1000 Genomes Project 0.00739; gnomAD 0.00748 and 0.00755; ESP Exome Variant Server 0.00754; 1000 Genomes Project 30x 0.00781; ExAC 0.01234.
gnomAD v4.1: 8,392 of 1,593,160 alleles (0.53%); highest among the groups gnomAD compares: Middle Eastern, 1.5%; 43 homozygotes.

Submissions (22):

CeGaT Center for Human Genetics Tuebingen
Classification: Likely benign. Last evaluated: 2026-08-01. Review status: criteria provided, single submitter. Criteria: CeGaT Center For Human Genetics Tuebingen Variant Classification Criteria Version 2. Collection method: clinical testing. Allele origin: germline. Affected: yes. Observed: 50 variant alleles.
Comment: NOTCH3: BS2

Labcorp Genetics (formerly Invitae), Labcorp
Classification: Benign. Last evaluated: 2026-01-31. Review status: criteria provided, single submitter. Criteria: Invitae Variant Classification Sherloc (09022015). Collection method: clinical testing. Allele origin: germline.

Athena Diagnostics
Classification: Benign. Last evaluated: 2025-10-21. Review status: criteria provided, single submitter. Criteria: Athena Diagnostics Criteria. Collection method: clinical testing. Allele origin: unknown.
Comment: The frequency of this variant in the general population is higher than would generally be expected for pathogenic variants in this gene.

ARUP Laboratories, Molecular Genetics and Genomics, ARUP Laboratories
Classification: Benign. Last evaluated: 2025-07-17. Review status: criteria provided, single submitter. Criteria: ARUP Molecular Germline Variant Investigation Process 2024. Collection method: clinical testing. Allele origin: germline.

Blueprint Genetics
Classification: Likely benign. Last evaluated: 2024-11-25. Review status: criteria provided, single submitter. Criteria: ACMG Guidelines, 2015. Collection method: clinical testing. Allele origin: germline.

The Egyptian Network for Neurodegenerative Diseases (ENND), The American University in Cairo
Classification: Likely benign for Vascular parkinsonism; Cerebral autosomal dominant arteriopathy with subcortical infarcts and leukoencephalopathy; Cerebral small vessel disease. Last evaluated: 2024-10-01. Review status: criteria provided, single submitter. Criteria: ACMG Guidelines, 2015. Collection method: research. Allele origin: germline. Affected: yes.
Comment: This rare variant (MAF 0.00738818 in 1000 Genomes / 0.007 in gnomAD) is currently classified as likely benign based on ACMG criteria. However, several studies have reported significant structural implications (PMID: 31799216) and associations with overlapping phenotypes, including CADASIL, white matter lesions (WMLs) in Parkinson’s disease (PD), and cerebral small vessel disease (CSVD) (PMIDs: 32573853, 22006983, 38790158). These findings warrant further investigation and may suggest that the clinical significance of this variant could require re-evaluation. The CADD score is 25.8, supporting potential deleteriousness.

Mayo Clinic Laboratories, Mayo Clinic
Classification: Benign. Last evaluated: 2024-06-25. Review status: criteria provided, single submitter. Criteria: ACMG Guidelines, 2015. Collection method: clinical testing. Allele origin: germline. Observed: 39 variant alleles.
Comment: BS1, BS2, BP4

Fulgent Genetics
Classification: Likely benign for Cerebral arteriopathy, autosomal dominant, with subcortical infarcts and leukoencephalopathy, type 1; Lateral meningocele syndrome; Myofibromatosis, infantile, 2. Last evaluated: 2021-10-07. Review status: criteria provided, single submitter. Criteria: ACMG Guidelines, 2015. Collection method: clinical testing. Allele origin: unknown.

Mendelics
Classification: Benign for Cerebral arteriopathy, autosomal dominant, with subcortical infarcts and leukoencephalopathy, type 1. Last evaluated: 2019-05-28. Review status: criteria provided, single submitter. Criteria: Mendelics Assertion Criteria 2017. Collection method: clinical testing. Allele origin: unknown.

Illumina Laboratory Services, Illumina
Classification: Likely benign for Cerebral arteriopathy, autosomal dominant, with subcortical infarcts and leukoencephalopathy, type 1. Last evaluated: 2017-04-27. Review status: criteria provided, single submitter. Criteria: ICSL Variant Classification Criteria 13 December 2019. Collection method: clinical testing. Allele origin: germline.
Comment: This variant was observed as part of a predisposition screen in an ostensibly healthy population. A literature search was performed for the gene, cDNA change, and amino acid change (where applicable). Publications were found based on this search. The evidence from the literature, in combination with allele frequency data from public databases where available, was sufficient to determine this variant is unlikely to cause disease. Therefore, this variant is classified as likely benign.

Breakthrough Genomics
Classification: Likely benign. Review status: criteria provided, single submitter. Criteria: ACMG Guidelines, 2015. Collection method: not provided. Allele origin: germline. Inheritance: Autosomal dominant inheritance. Affected: yes.

PreventionGenetics, part of Exact Sciences
Classification: Benign. Review status: criteria provided, single submitter. Criteria: ACMG Guidelines, 2015. Collection method: clinical testing. Allele origin: germline.

Dr. Peter K. Rogan Lab, Western University
No classification provided (evidence only). Condition: Clear cell carcinoma of kidney. Review status: no classification provided. Collection method: in vitro. Allele origin: not applicable. Functional consequence: retained intron. Not counted in ClinVar's aggregate classification.

Dr. Peter K. Rogan Lab, Western University
No classification provided (evidence only). Condition: Clear cell carcinoma of kidney. Review status: no classification provided. Collection method: in vitro. Allele origin: not applicable. Functional consequence: retained intron. Not counted in ClinVar's aggregate classification.

Dr. Peter K. Rogan Lab, Western University
No classification provided (evidence only). Condition: Clear cell carcinoma of kidney. Review status: no classification provided. Collection method: in vitro. Allele origin: not applicable. Functional consequence: retained intron. Not counted in ClinVar's aggregate classification.

Dr. Peter K. Rogan Lab, Western University
No classification provided (evidence only). Condition: Thyroid cancer, nonmedullary, 1. Review status: no classification provided. Collection method: in vitro. Allele origin: not applicable. Functional consequence: retained intron. Not counted in ClinVar's aggregate classification.

Dr. Peter K. Rogan Lab, Western University
No classification provided (evidence only). Condition: Cervical cancer. Review status: no classification provided. Collection method: in vitro. Allele origin: not applicable. Functional consequence: retained intron. Not counted in ClinVar's aggregate classification.

Dr. Peter K. Rogan Lab, Western University
No classification provided (evidence only). Condition: Cervical cancer. Review status: no classification provided. Collection method: in vitro. Allele origin: not applicable. Functional consequence: skipped exon, retained intron. Not counted in ClinVar's aggregate classification.

Dr. Peter K. Rogan Lab, Western University
No classification provided (evidence only). Condition: Nonpapillary renal cell carcinoma. Review status: no classification provided. Collection method: in vitro. Allele origin: not applicable. Functional consequence: retained intron. Not counted in ClinVar's aggregate classification.

Dr. Peter K. Rogan Lab, Western University
No classification provided (evidence only). Condition: Thymoma. Review status: no classification provided. Collection method: in vitro. Allele origin: not applicable. Functional consequence: retained intron. Not counted in ClinVar's aggregate classification.

Dr. Peter K. Rogan Lab, Western University
No classification provided (evidence only). Condition: Thymoma. Review status: no classification provided. Collection method: in vitro. Allele origin: not applicable. Functional consequence: retained intron. Not counted in ClinVar's aggregate classification.

Dr. Peter K. Rogan Lab, Western University
No classification provided (evidence only). Condition: Ovarian serous cystadenocarcinoma. Review status: no classification provided. Collection method: in vitro. Allele origin: not applicable. Functional consequence: retained intron. Not counted in ClinVar's aggregate classification.

Literature cited by the submitters: PubMed 26270344 (cited by Athena Diagnostics and Illumina Laboratory Services, Illumina); PubMed 27881154 (cited by Athena Diagnostics); PubMed 24086431 (cited by Athena Diagnostics and Illumina Laboratory Services, Illumina); PubMed 25623805 (cited by Athena Diagnostics and Illumina Laboratory Services, Illumina); PubMed 9388399 (cited by Athena Diagnostics and Illumina Laboratory Services, Illumina); PubMed 20038773 (cited by Athena Diagnostics and Illumina Laboratory Services, Illumina); PubMed 40786864 (cited by The Egyptian Network for Neurodegenerative Diseases (ENND), The American University in Cairo); PubMed 32573853 (cited by The Egyptian Network for Neurodegenerative Diseases (ENND), The American University in Cairo); PubMed 31799216 (cited by The Egyptian Network for Neurodegenerative Diseases (ENND), The American University in Cairo); PubMed 22006983 (cited by The Egyptian Network for Neurodegenerative Diseases (ENND), The American University in Cairo and Illumina Laboratory Services, Illumina); PubMed 38790158 (cited by The Egyptian Network for Neurodegenerative Diseases (ENND), The American University in Cairo); PubMed 25929831 (cited by Illumina Laboratory Services, Illumina).

NM_000435.3(NOTCH3):c.1490C>T (p.Ser497Leu)

Gene: NOTCH3 (notch receptor 3; minus strand). Cytogenetic location: 19p13.12.
Variant type: single nucleotide variant.
Coding change: c.1490C>T on transcript NM_000435.3 (MANE Select); coding-DNA position 1490, C replaced by T.
Protein change: p.Ser497Leu; replaces serine 497 with leucine.
Molecular consequence: missense variant.
Genome position (GRCh38, 1-based): chr19:15,188,237, G>A on the plus strand (C>T on the coding strand, the complement: NOTCH3 is on the minus strand). VCF-style: chr19-15188237-G-A. GRCh37 (hg19) VCF-style: chr19-15299048-G-A.
Other names: short protein forms S497L.
Identifiers: ClinVar variation 256121 (VCV000256121.57), dbSNP rs114207045, ClinGen allele CA9263627.